The following is an entry in ClinVar:

NM_005188.4(CBL):c.*3096C>G

Gene: CBL (Cbl proto-oncogene; plus strand). Cytogenetic location: 11q23.3.
Variant type: single nucleotide variant.
Coding change: c.*3096C>G on transcript NM_005188.4 (MANE Select); 3096 bases downstream of the stop codon, C replaced by G.
Molecular consequence: 3 prime UTR variant.
Genome position (GRCh38, 1-based): chr11:119,302,877, C>G. VCF-style: chr11-119302877-C-G. GRCh37 (hg19) VCF-style: chr11-119173587-C-G.
Identifiers: ClinVar variation 302829 (VCV000302829.5), dbSNP rs150053029, ClinGen allele CA10637903.

ClinVar aggregate classification (germline): Benign (1 of 4 stars; one submission).

Conditions:
CBL-related disorder. Also called: NOONAN SYNDROME-LIKE DISORDER WITHOUT JUVENILE MYELOMONOCYTIC LEUKEMIA; CBL MUTATION-ASSOCIATED SYNDROME; CBL SYNDROME. Identifiers: Orphanet 363972, MedGen C3150803, MONDO:0013308, OMIM 613563.

Allele frequency attached by ClinVar (database versions not stated): 1000 Genomes Project 0.00739; 1000 Genomes Project 30x 0.00765; TOPMed 0.01553; gnomAD 0.01656 and 0.01735; gnomAD exomes 0.02014.
gnomAD v4.1: 4,171 of 230,996 alleles (1.8%); highest among the groups gnomAD compares: Middle Eastern, 3.3%; 63 homozygotes.

Submission:

Illumina Laboratory Services, Illumina
Classification: Benign for CBL-related disorder. Last evaluated: 2018-01-13. Review status: criteria provided, single submitter. Criteria: ICSL Variant Classification Criteria 13 December 2019. Collection method: clinical testing. Allele origin: germline.
Comment: This variant was observed in the ICSL laboratory as part of a predisposition screen in an ostensibly healthy population. It had not been previously curated by ICSL or reported in the Human Gene Mutation Database (HGMD: prior to June 1st, 2018), and was therefore a candidate for classification through an automated scoring system. Utilizing variant allele frequency, disease prevalence and penetrance estimates, and inheritance mode, an automated score was calculated to assess if this variant is too frequent to cause the disease. Based on the score and internal cut-off values, a variant classified as benign is not then subjected to further curation. The score for this variant resulted in a classification of benign for this disease.